The following is an entry in ClinVar:

ClinVar aggregate classification (germline): Likely pathogenic. Review status: criteria provided, multiple submitters, no conflicts (2 of 4 stars). 2 submissions from 2 submitters: Likely pathogenic (2). Last evaluated 2026-05-04.

Conditions:
Aortic aneurysm, familial thoracic 7 (AAT7). Also called: AORTIC DISSECTION, FAMILIAL, WITH OR WITHOUT AORTIC ANEURYSM. Identifiers: MedGen C3151077, MONDO:0013418, OMIM 613780.

Allele frequency attached by ClinVar (database versions not stated): gnomAD exomes 0.00002 and 0.00001; TOPMed below 0.00001; ExAC 0.00003.
gnomAD v4.1: 15 of 1,614,206 alleles (0.00093%); highest among the groups gnomAD compares: South Asian, 0.016%; no homozygotes.

Submissions (2):

Victorian Clinical Genetics Services, Murdoch Childrens Research Institute
Classification: Likely pathogenic for Aortic aneurysm, familial thoracic 7. Last evaluated: 2026-05-04. Review status: criteria provided, single submitter. Criteria: ACMG Guidelines, 2015. Collection method: clinical testing. Allele origin: germline.
Comment: This variant is classified as Likely pathogenic. Evidence in support of pathogenic classification: Canonical splice site variant without proven consequence on splicing (no functional evidence available); Variant is present in gnomAD <0.01 (v4: 15 heterozygote(s), 0 homozygote(s)); This variant has limited previous evidence of pathogenicity in an unrelated individual(s). It has been classified as likely pathogenic by one clinical laboratory in ClinVar; Other canonical splice variants comparable to the one identified in this case have moderate previous evidence for pathogenicity. c.2390+1G>C has been classified as likely pathogenic by one clinical laboratory in ClinVar and c.2390+2T>C was reported in the literature in an individual with aneurysm (PMID: 29543232); Abnormal splicing is predicted by in silico tool and affected nucleotide is highly conserved. Additional information: This variant is heterozygous; This gene is associated with autosomal dominant familial thoracic aortic aneurysm 7 (MIM#613780) although homozygotes with more early-onset severe disease have also been reported (PMID: 29544503; OMIM). It has also been associated with autosomal recessive megacystis-microcolon-intestinal hypoperistalsis syndrome 1 (MIM#249210), however this gene-disease association has not been established conclusively (PanelApp Australia); Alternative nucleotide change(s) at the same canonical splice site are present in gnomAD (highest alelle count: v4: 1 heterozygote(s), 0 homozygote(s)); No published evidence of segregation with disease has been identified for this variant; No published functional evidence has been identified for this variant; Loss of function is a known mechanism of disease in this gene and is associated with autosomal dominant familial thoracic aortic aneurysm 7 (MIM#613780). It has also been reported for autosomal recessive megacystis-microcolon-intestinal hypoperistalsis syndrome 1 (MIM#249210), however this gene-disease association has not been established conclusively (PanelApp Australia); The familial thoracic aortic aneurysm 7 condition associated with this gene has incomplete penetrance (PMIDs: 29544503, 21055718; OMIM); Variants associated with familial thoracic aortic aneurysm 7 in this gene are known to have variable expressivity (PMIDs: 29544503, 21055718).

AiLife Diagnostics
Classification: Likely pathogenic. Last evaluated: 2021-09-07. Review status: criteria provided, single submitter. Criteria: ACMG Guidelines, 2015. Collection method: clinical testing. Allele origin: germline. Affected: yes. Observed: 1 variant allele.

Literature cited by the submitters: PubMed 29543232 (cited by Victorian Clinical Genetics Services, Murdoch Childrens Research Institute); PubMed 21055718 (cited by Victorian Clinical Genetics Services, Murdoch Childrens Research Institute); PubMed 29544503 (cited by Victorian Clinical Genetics Services, Murdoch Childrens Research Institute).

NM_053025.4(MYLK):c.2390+1G>A

Gene: MYLK (myosin light chain kinase; minus strand). Cytogenetic location: 3q21.1.
Variant type: single nucleotide variant.
Coding change: c.2390+1G>A on transcript NM_053025.4 (MANE Select); the canonical splice donor site of the intron after coding-DNA position 2390, G replaced by A.
Molecular consequence: splice donor variant.
Genome position (GRCh38, 1-based): chr3:123,707,753, C>T on the plus strand (G>A on the coding strand, the complement: MYLK is on the minus strand). VCF-style: chr3-123707753-C-T. GRCh37 (hg19) VCF-style: chr3-123426600-C-T.
Other names: c.1862+1G>A (NM_001321309.2); c.2183+1G>A (NM_053028.4, NM_053026.4); c.2390+1G>A (NM_053027.4).
Identifiers: ClinVar variation 1678106 (VCV001678106.2), dbSNP rs762794821, ClinGen allele CA068458.
Genomic context (GRCh38, chr3:123,707,753, plus strand): 5'-TAGGGGAGCTAGGAATTTGGAGGGAAGGGTTAAGGGAGGCTGGCTGGACATGCAGACTCA[C>T]TTGAGCAGGATCTCATACTGGCCGGCATGCCAGGGCTGCACCTTCTTTAGAACCAGGGTG-3'